The following is an entry in ClinVar:

ClinVar aggregate classification (germline): Pathogenic/Likely pathogenic. Review status: criteria provided, multiple submitters, no conflicts (2 of 4 stars). 10 submissions from 10 submitters: Pathogenic (3); Likely pathogenic (6). 1 of the submissions does not count toward it. Last evaluated 2026-09-11.

Conditions:
ELP1-Associated Medulloblastoma. Identifiers: MedGen C5670652.
ELP1-related disorder. Also called: ELP1-related condition.
Medulloblastoma (MDB). Also called: Medulloblastoma, somatic; MEDULLOBLASTOMA PREDISPOSITION SYNDROME. Identifiers: Orphanet 616, MedGen C0025149, MeSH D008527, MONDO:0007959, OMIM 155255, HP:0002885.
Familial dysautonomia. Also called: FD; HSAN III. Identifiers: Orphanet 1764, MedGen C0013364, MONDO:0009131, OMIM 223900. Disease mechanism: loss of function.
IKBKAP-related disorders.

Allele frequency attached by ClinVar (database versions not stated): gnomAD 0.00004 and 0.00002; gnomAD exomes 0.00004 and 0.00002; TOPMed 0.00006; ExAC 0.00002; ESP Exome Variant Server 0.00015.
gnomAD v4.1: 54 of 1,613,968 alleles (0.0033%); highest among the groups gnomAD compares: African/African-American, 0.0053%; no homozygotes.

Submissions (10):

PreventionGenetics, part of Exact Sciences
Classification: Likely pathogenic for ELP1-related condition. Last evaluated: 2026-09-11. Review status: criteria provided, single submitter. Criteria: ACMG Guidelines, 2015. Collection method: clinical testing. Allele origin: germline.
Comment: The ELP1 c.3592C>T variant is predicted to result in premature protein termination (p.Arg1198*). This variant has been reported in an individual with medulloblastoma (Extended Data Table 2, Waszak et al 2020. PubMed ID: 32296180). This variant is reported in 0.0080% of alleles in individuals of African descent in gnomAD. Nonsense variants in ELP1 are expected to be pathogenic. This variant is interpreted as likely pathogenic.

Natera, Inc.
Classification: Likely pathogenic for Familial dysautonomia. Last evaluated: 2025-08-19. Review status: criteria provided, single submitter. Criteria: Natera Variant Classification Schema (03/2026). Collection method: clinical testing. Allele origin: germline.
Comment: The c.3592C>T variant in ELP1 is a nonsense variant predicted to introduce a stop codon at amino acid 1198. This variant is expected to result in nonsense mediated decay, truncation, or a dysfunctional protein product. This variant is rare in the general population with a frequency below the threshold expected for the associated phenotype(s). Given the available evidence, this variant is classified as Likely Pathogenic.

CeGaT Center for Human Genetics Tuebingen
Classification: Likely pathogenic. Last evaluated: 2025-07-01. Review status: criteria provided, single submitter. Criteria: CeGaT Center For Human Genetics Tuebingen Variant Classification Criteria Version 2. Collection method: clinical testing. Allele origin: germline. Affected: yes. Observed: 1 variant allele.
Comment: ELP1: PVS1, PM2:Supporting

Labcorp Genetics (formerly Invitae), Labcorp
Classification: Pathogenic. Last evaluated: 2025-06-30. Review status: criteria provided, single submitter. Criteria: Invitae Variant Classification Sherloc (09022015). Collection method: clinical testing. Allele origin: germline.
Comment: This sequence change creates a premature translational stop signal (p.Arg1198*) in the ELP1 gene. It is expected to result in an absent or disrupted protein product. Loss-of-function variants in ELP1 are known to be pathogenic (PMID: 18303054, 24173031). This variant is present in population databases (rs376078668, gnomAD 0.008%). This variant has not been reported in the literature in individuals affected with ELP1-related conditions. ClinVar contains an entry for this variant (Variation ID: 553107). For these reasons, this variant has been classified as Pathogenic.

Institute for Genomic Medicine (IGM) Clinical Laboratory, Nationwide Children's Hospital
Classification: Pathogenic for ELP1-Associated Medulloblastoma. Last evaluated: 2025-03-17. Review status: criteria provided, single submitter. Criteria: ACMG Guidelines, 2015. Collection method: clinical testing. Allele origin: germline.
Comment: This variant is predicted to result in loss of function through nonsense-mediated decay of the encoded transcript or premature truncation of the encoded protein in a gene in which loss of function is a known mechanism of disease (ACMG/AMP: PVS1; PMIDs:32296180, 18303054, 24173031). This variant has been reported at an elevated frequency in affected individuals/in multiple affected individuals in the literature (ACMG/AMP: PS4_Supporting; PMID:32296180). This variant is absent from or present at an exceedingly low frequency in gnomAD, a large-scale control population database (ACMG/AMP: PM2).

Blueprint Genetics
Classification: Likely pathogenic for IKBKAP-related disorders. Last evaluated: 2024-09-20. Review status: criteria provided, single submitter. Criteria: ACMG Guidelines, 2015. Collection method: clinical testing. Allele origin: germline. Affected: yes. Observed: 3 variant alleles.

Fulgent Genetics
Classification: Likely pathogenic for Medulloblastoma; Familial dysautonomia. Last evaluated: 2024-04-04. Review status: criteria provided, single submitter. Criteria: ACMG Guidelines, 2015. Collection method: clinical testing. Allele origin: germline.

Department of Pathology and Laboratory Medicine, Sinai Health System
Classification: Likely pathogenic for Medulloblastoma; Familial dysautonomia. Last evaluated: 2023-10-30. Review status: criteria provided, single submitter. Criteria: ACMG Guidelines, 2015. Collection method: research. Allele origin: germline.

Baylor Genetics
Classification: Pathogenic for Familial dysautonomia. Last evaluated: 2021-12-21. Review status: criteria provided, single submitter. Criteria: ACMG Guidelines, 2015. Collection method: clinical testing. Allele origin: maternal. Affected: yes. Study: CSER-TexasKidsCanSeq.
Comment: This variant was determined to be pathogenic according to ACMG Guidelines, 2015 [PMID:25741868].

Counsyl
Classification: Likely pathogenic for Familial dysautonomia. Last evaluated: 2017-07-27. Review status: no assertion criteria provided. Collection method: clinical testing. Allele origin: unknown. Not counted in ClinVar's aggregate classification.

Literature cited by the submitters: PubMed 18303054 (cited by Labcorp Genetics (formerly Invitae), Labcorp and Institute for Genomic Medicine (IGM) Clinical Laboratory, Nationwide Children's Hospital); PubMed 24173031 (cited by Labcorp Genetics (formerly Invitae), Labcorp and Institute for Genomic Medicine (IGM) Clinical Laboratory, Nationwide Children's Hospital); PubMed 32296180 (cited by Institute for Genomic Medicine (IGM) Clinical Laboratory, Nationwide Children's Hospital).

NM_003640.5(ELP1):c.3592C>T (p.Arg1198Ter)

Gene: ELP1 (elongator acetyltransferase complex subunit 1; minus strand). Cytogenetic location: 9q31.3.
Variant type: single nucleotide variant.
Coding change: c.3592C>T on transcript NM_003640.5 (MANE Select); coding-DNA position 3592, C replaced by T.
Protein change: p.Arg1198Ter; replaces arginine 1198 with a stop codon.
Molecular consequence: nonsense.
Genome position (GRCh38, 1-based): chr9:108,878,731, G>A on the plus strand (C>T on the coding strand, the complement: ELP1 is on the minus strand). VCF-style: chr9-108878731-G-A. GRCh37 (hg19) VCF-style: chr9-111641011-G-A.
Other names: c.3592C>T (LRG_251t1); c.3250C>T, p.Arg1084Ter (NM_001318360.2); c.2545C>T, p.Arg849Ter (NM_001330749.2); short protein forms R1198*, R1084*, R849*.
Identifiers: ClinVar variation 553107 (VCV000553107.25), dbSNP rs376078668, ClinGen allele CA5174237.